The following is an entry in ClinVar:

NM_014991.6(WDFY3):c.8642C>T (p.Pro2881Leu)

Gene: WDFY3 (WD repeat and FYVE domain containing 3; minus strand). Cytogenetic location: 4q21.23.
Variant type: single nucleotide variant.
Coding change: c.8642C>T on transcript NM_014991.6 (MANE Select); coding-DNA position 8642, C replaced by T.
Protein change: p.Pro2881Leu; replaces proline 2881 with leucine.
Molecular consequence: missense variant.
Genome position (GRCh38, 1-based): chr4:84,696,778, G>A on the plus strand (C>T on the coding strand, the complement: WDFY3 is on the minus strand). VCF-style: chr4-84696778-G-A. GRCh37 (hg19) VCF-style: chr4-85617931-G-A.
Other names: short protein forms P2881L.
Identifiers: ClinVar variation 3777374 (VCV003777374.1).

ClinVar aggregate classification (germline): Uncertain significance (1 of 4 stars; one submission).

gnomAD v4.1: 1 of 1,613,616 alleles (0.000062%); highest among the groups gnomAD compares: Non-Finnish European, 0.000085%; no homozygotes.

Submission:

GeneDx
Classification: Uncertain significance. Last evaluated: 2024-10-10. Review status: criteria provided, single submitter. Criteria: GeneDx Variant Classification Process June 2021. Collection method: clinical testing. Allele origin: germline. Affected: yes.
Comment: Not observed at significant frequency in large population cohorts (gnomAD); In silico analysis supports that this missense variant has a deleterious effect on protein structure/function; Has not been previously published as pathogenic or benign to our knowledge